The following is an entry in ClinVar:

NM_152490.5(B3GALNT2):c.107C>G (p.Pro36Arg)

Gene: B3GALNT2 (beta-1,3-N-acetylgalactosaminyltransferase 2; minus strand). Cytogenetic location: 1q42.3.
Variant type: single nucleotide variant.
Coding change: c.107C>G on transcript NM_152490.5 (MANE Select); coding-DNA position 107, C replaced by G.
Protein change: p.Pro36Arg; replaces proline 36 with arginine.
Molecular consequence: missense variant.
Genome position (GRCh38, 1-based): chr1:235,504,146, G>C on the plus strand (C>G on the coding strand, the complement: B3GALNT2 is on the minus strand). VCF-style: chr1-235504146-G-C. GRCh37 (hg19) VCF-style: chr1-235667446-G-C.
Other names: c.107C>G, p.Pro36Arg (NM_001277155.3); short protein forms P36R.
Identifiers: ClinVar variation 540917 (VCV000540917.6), dbSNP rs1553356108, ClinGen allele CA344936381.

ClinVar aggregate classification (germline): Uncertain significance (1 of 4 stars; one submission).

Conditions:
Muscular dystrophy-dystroglycanopathy (congenital with brain and eye anomalies), type a, 11 (MDDGA11). Also called: WALKER-WARBURG SYNDROME OR MUSCLE-EYE-BRAIN DISEASE, B3GALNT2-RELATED; Congenital muscular dystrophy-dystroglycanopathy with brain and eye anomalies, type A11; Muscular dystrophy-dystroglycanopathy (congenital with brain and eye anomalies, type A, 11. Identifiers: Orphanet 588, Orphanet 899, MedGen C3554638, MONDO:0014071, OMIM 615181.

Allele frequency attached by ClinVar (database versions not stated): gnomAD 0.00001; gnomAD exomes 0.00001; 1000 Genomes Project 30x 0.00016.
gnomAD v4.1: 7 of 1,269,928 alleles (0.00055%); highest among the groups gnomAD compares: South Asian, 0.018%; no homozygotes.

Submission:

Labcorp Genetics (formerly Invitae), Labcorp
Classification: Uncertain significance for Muscular dystrophy-dystroglycanopathy (congenital with brain and eye anomalies), type a, 11. Last evaluated: 2022-08-21. Review status: criteria provided, single submitter. Criteria: Invitae Variant Classification Sherloc (09022015). Collection method: clinical testing. Allele origin: germline.
Comment: ClinVar contains an entry for this variant (Variation ID: 540917). Algorithms developed to predict the effect of missense changes on protein structure and function output the following: SIFT: "Tolerated"; PolyPhen-2: "Benign"; Align-GVGD: "Class C0". The arginine amino acid residue is found in multiple mammalian species, which suggests that this missense change does not adversely affect protein function. In summary, the available evidence is currently insufficient to determine the role of this variant in disease. Therefore, it has been classified as a Variant of Uncertain Significance. This variant has not been reported in the literature in individuals affected with B3GALNT2-related conditions. This sequence change replaces proline, which is neutral and non-polar, with arginine, which is basic and polar, at codon 36 of the B3GALNT2 protein (p.Pro36Arg). This variant is not present in population databases (gnomAD no frequency).